The following is an entry in ClinVar:

ClinVar aggregate classification (germline): Pathogenic (1 of 4 stars; one submission).

Conditions:
Hyperammonemia, type III (NAGSD). Also called: Hyperammonemia due to N-acetylglutamate synthase deficiency. Identifiers: Orphanet 927, MedGen C0268543, MONDO:0009377, OMIM 237310.

Submission:

Labcorp Genetics (formerly Invitae), Labcorp
Classification: Pathogenic for Hyperammonemia, type III. Last evaluated: 2022-02-05. Review status: criteria provided, single submitter. Criteria: Invitae Variant Classification Sherloc (09022015). Collection method: clinical testing. Allele origin: germline.
Comment: For these reasons, this variant has been classified as Pathogenic. ClinVar contains an entry for this variant (Variation ID: 1070557). This variant has not been reported in the literature in individuals affected with NAGS-related conditions. This variant is not present in population databases (gnomAD no frequency). This sequence change creates a premature translational stop signal (p.Cys259*) in the NAGS gene. It is expected to result in an absent or disrupted protein product. Loss-of-function variants in NAGS are known to be pathogenic (PMID: 12594532).

Literature cited by the submitters: PubMed 12594532.

NM_153006.3(NAGS):c.777C>A (p.Cys259Ter)

Gene: NAGS (N-acetylglutamate synthase; plus strand). Cytogenetic location: 17q21.31.
Variant type: single nucleotide variant.
Coding change: c.777C>A on transcript NM_153006.3 (MANE Select); coding-DNA position 777, C replaced by A.
Protein change: p.Cys259Ter; replaces cysteine 259 with a stop codon.
Molecular consequence: nonsense.
Genome position (GRCh38, 1-based): chr17:44,006,099, C>A. VCF-style: chr17-44006099-C-A. GRCh37 (hg19) VCF-style: chr17-42083467-C-A.
Other names: short protein forms C259*.
Identifiers: ClinVar variation 1070557 (VCV001070557.7), dbSNP rs2049086224, ClinGen allele CA399725462.